The following is an entry in ClinVar:

ClinVar aggregate classification (germline): Uncertain significance (1 of 4 stars; one submission).

Allele frequency attached by ClinVar (database versions not stated): gnomAD 0.00001; TOPMed below 0.00001.
gnomAD v4.1: 1 of 1,613,564 alleles (0.000062%); highest among the groups gnomAD compares: Non-Finnish European, 0.000085%; no homozygotes.

Submission:

Labcorp Genetics (formerly Invitae), Labcorp
Classification: Uncertain significance. Last evaluated: 2025-09-08. Review status: criteria provided, single submitter. Criteria: Invitae Variant Classification Sherloc (09022015). Collection method: clinical testing. Allele origin: germline.
Comment: This sequence change replaces histidine, which is basic and polar, with leucine, which is neutral and non-polar, at codon 205 of the COL27A1 protein (p.His205Leu). This variant is not present in population databases (gnomAD no frequency). This variant has not been reported in the literature in individuals affected with COL27A1-related conditions. ClinVar contains an entry for this variant (Variation ID: 1994153). Invitae Evidence Modeling of protein sequence and biophysical properties (such as structural, functional, and spatial information, amino acid conservation, physicochemical variation, residue mobility, and thermodynamic stability) indicates that this missense variant is not expected to disrupt COL27A1 protein function with a negative predictive value of 95%. In summary, the available evidence is currently insufficient to determine the role of this variant in disease. Therefore, it has been classified as a Variant of Uncertain Significance.

NM_032888.4(COL27A1):c.614A>T (p.His205Leu)

Gene: COL27A1 (collagen type XXVII alpha 1 chain; plus strand). Cytogenetic location: 9q32.
Variant type: single nucleotide variant.
Coding change: c.614A>T on transcript NM_032888.4 (MANE Select); coding-DNA position 614, A replaced by T.
Protein change: p.His205Leu; replaces histidine 205 with leucine.
Molecular consequence: missense variant.
Genome position (GRCh38, 1-based): chr9:114,168,169, A>T. VCF-style: chr9-114168169-A-T. GRCh37 (hg19) VCF-style: chr9-116930449-A-T.
Other names: short protein forms H205L.
Identifiers: ClinVar variation 1994153 (VCV001994153.4), dbSNP rs1208949290, ClinGen allele CA374590670.